The following is an entry in ClinVar:

ClinVar aggregate classification (germline): Likely benign. Review status: criteria provided, single submitter (1 of 4 stars). 2 submissions from 2 submitters: Likely benign (1). 1 of the submissions does not count toward it. Last evaluated 2024-09-24.

Conditions:
P2RX2-related disorder. Also called: P2RX2-related condition.

Submissions (2):

Blueprint Genetics
Classification: Likely benign. Last evaluated: 2024-09-24. Review status: criteria provided, single submitter. Criteria: ACMG Guidelines, 2015. Collection method: clinical testing. Allele origin: germline.

PreventionGenetics, part of Exact Sciences
Classification: Likely benign for P2RX2-related condition. Last evaluated: 2019-12-03. Review status: no assertion criteria provided. Collection method: clinical testing. Allele origin: germline. Not counted in ClinVar's aggregate classification.
Comment: This variant is classified as likely benign based on ACMG/AMP sequence variant interpretation guidelines (Richards et al. 2015 PMID: 25741868, with internal and published modifications).

NM_170682.4(P2RX2):c.774+14A>T

Gene: P2RX2 (purinergic receptor P2X 2; plus strand). Cytogenetic location: 12q24.33.
Variant type: single nucleotide variant.
Coding change: c.774+14A>T on transcript NM_170682.4 (MANE Select); 14 bases into the intron after coding-DNA position 774, A replaced by T.
Molecular consequence: intron variant.
Genome position (GRCh38, 1-based): chr12:132,620,597, A>T. VCF-style: chr12-132620597-A-T. GRCh37 (hg19) VCF-style: chr12-133197183-A-T.
Other names: c.774+14A>T (NM_001282165.2, NM_170683.4, NM_174873.3); c.702+14A>T (NM_016318.4); c.672+9A>T (NM_001282164.2); c.558+14A>T (NM_012226.5); c.498+14A>T (NM_174872.3).
Identifiers: ClinVar variation 3034576 (VCV003034576.3), dbSNP rs2138376823, ClinGen allele CA953525890.